The following is an entry in ClinVar:

NM_017849.4(TMEM127):c.502C>T (p.Gln168Ter)

Gene: TMEM127 (transmembrane protein 127; minus strand). Cytogenetic location: 2q11.2.
Variant type: single nucleotide variant.
Coding change: c.502C>T on transcript NM_017849.4 (MANE Select); coding-DNA position 502, C replaced by T.
Protein change: p.Gln168Ter; replaces glutamine 168 with a stop codon.
Molecular consequence: nonsense.
Genome position (GRCh38, 1-based): chr2:96,254,023, G>A on the plus strand (C>T on the coding strand, the complement: TMEM127 is on the minus strand). VCF-style: chr2-96254023-G-A. GRCh37 (hg19) VCF-style: chr2-96919761-G-A.
Other names: c.502C>T, p.Gln168Ter (NM_001193304.3); c.250C>T, p.Gln84Ter (NM_001407282.1, NM_001407283.1); short protein forms Q168*, Q84*.
Identifiers: ClinVar variation 3457610 (VCV003457610.1).

ClinVar aggregate classification (germline): Uncertain significance (1 of 4 stars; one submission).

Conditions:
Hereditary cancer-predisposing syndrome. Also called: Tumor predisposition; Neoplastic Syndromes, Hereditary; Hereditary neoplastic syndrome; Hereditary Cancer Syndrome. Identifiers: Orphanet 140162, MedGen C0027672, MeSH D009386, MONDO:0015356.

Submission:

Ambry Genetics
Classification: Uncertain significance for Hereditary cancer-predisposing syndrome. Last evaluated: 2024-10-19. Review status: criteria provided, single submitter. Criteria: Ambry Variant Classification Scheme 2023. Collection method: clinical testing. Allele origin: germline.
Comment: The p.Q168* variant (also known as c.502C>T), located in coding exon 3 of the TMEM127 gene, results from a C to T substitution at nucleotide position 502. This alteration occurs at the 3' terminus of theTMEM127 gene, is not expected to trigger nonsense-mediated mRNAdecay, and impacts the last 29% of the protein. The exact functional effect of this alteration is unknown. Based on the available evidence, the clinical significance of this variant remains unclear.